The following is an entry in ClinVar:

ClinVar aggregate classification (germline): Uncertain significance (1 of 4 stars; one submission).

Conditions:
Spermatogenic failure 18. Identifiers: MedGen C4539783, MONDO:0054615, OMIM 617576.
Ciliary dyskinesia, primary, 37 (CILD37). Also called: CILIARY DYSKINESIA, PRIMARY, 37, WITH OR WITHOUT SITUS INVERSUS. Identifiers: MedGen C4539798, MONDO:0033204, OMIM 617577.

Allele frequency attached by ClinVar (database versions not stated): gnomAD exomes 0.00002; TOPMed 0.00003; gnomAD 0.00005; ExAC 0.00011; 1000 Genomes Project 30x 0.00016; 1000 Genomes Project 0.00020.

Submission:

Labcorp Genetics (formerly Invitae), Labcorp
Classification: Uncertain significance for Ciliary dyskinesia, primary, 37; Spermatogenic failure 18. Last evaluated: 2022-11-07. Review status: criteria provided, single submitter. Criteria: Invitae Variant Classification Sherloc (09022015). Collection method: clinical testing. Allele origin: germline.
Comment: This variant has not been reported in the literature in individuals affected with DNAH1-related conditions. This variant is present in population databases (rs527623087, gnomAD 0.05%). This sequence change replaces lysine, which is basic and polar, with arginine, which is basic and polar, at codon 2332 of the DNAH1 protein (p.Lys2332Arg). Advanced modeling of protein sequence and biophysical properties (such as structural, functional, and spatial information, amino acid conservation, physicochemical variation, residue mobility, and thermodynamic stability) performed at Invitae indicates that this missense variant is not expected to disrupt DNAH1 protein function. In summary, the available evidence is currently insufficient to determine the role of this variant in disease. Therefore, it has been classified as a Variant of Uncertain Significance.

NM_015512.5(DNAH1):c.6995A>G (p.Lys2332Arg)

Gene: DNAH1 (dynein axonemal heavy chain 1; plus strand). Cytogenetic location: 3p21.1.
Variant type: single nucleotide variant.
Coding change: c.6995A>G on transcript NM_015512.5 (MANE Select); coding-DNA position 6995, A replaced by G.
Protein change: p.Lys2332Arg; replaces lysine 2332 with arginine.
Molecular consequence: missense variant.
Genome position (GRCh38, 1-based): chr3:52,375,249, A>G. VCF-style: chr3-52375249-A-G. GRCh37 (hg19) VCF-style: chr3-52409265-A-G.
Other names: short protein forms K2332R.
Identifiers: ClinVar variation 2928946 (VCV002928946.1), dbSNP rs527623087, ClinGen allele CA2434723.